The following is an entry in ClinVar:

ClinVar aggregate classification (germline): Uncertain significance (1 of 4 stars; one submission).

Conditions:
Inborn genetic diseases. Identifiers: MedGen C0950123, MeSH D030342.

gnomAD v4.1: 3 of 1,612,342 alleles (0.00019%); highest among the groups gnomAD compares: South Asian, 0.0033%; no homozygotes.

Submission:

Ambry Genetics
Classification: Uncertain significance for Inborn genetic diseases. Last evaluated: 2025-06-22. Review status: criteria provided, single submitter. Criteria: Ambry Variant Classification Scheme 2023. Collection method: clinical testing. Allele origin: germline.
Comment: The p.R172L variant (also known as c.515G>T), located in coding exon 3 of the ERCC6L2 gene, results from a G to T substitution at nucleotide position 515. The arginine at codon 172 is replaced by leucine, an amino acid with dissimilar properties. This amino acid position is conserved. In addition, the in silico prediction for this alteration is inconclusive. Based on the available evidence, the clinical significance of this variant remains unclear.

NM_020207.7(ERCC6L2):c.515G>T (p.Arg172Leu)

Gene: ERCC6L2 (ERCC excision repair 6 like 2; plus strand). Cytogenetic location: 9q22.32.
Variant type: single nucleotide variant.
Coding change: c.515G>T on transcript NM_020207.7 (MANE Select); coding-DNA position 515, G replaced by T.
Protein change: p.Arg172Leu; replaces arginine 172 with leucine.
Molecular consequence: missense variant. On other transcripts: non-coding transcript variant (1).
Genome position (GRCh38, 1-based): chr9:95,897,892, G>T. VCF-style: chr9-95897892-G-T. GRCh37 (hg19) VCF-style: chr9-98660174-G-T.
Other names: c.515G>T, p.Arg172Leu (NM_001010895.4, NM_001375291.1, NM_001375292.1 and 2 more transcripts); short protein forms R172L.
Identifiers: ClinVar variation 4250554 (VCV004250554.1).